The following is an entry in ClinVar:

ClinVar aggregate classification (germline): Uncertain significance (1 of 4 stars; one submission).

Submission:

Labcorp Genetics (formerly Invitae), Labcorp
Classification: Uncertain significance. Last evaluated: 2024-01-15. Review status: criteria provided, single submitter. Criteria: Invitae Variant Classification Sherloc (09022015). Collection method: clinical testing. Allele origin: germline.
Comment: This sequence change replaces alanine, which is neutral and non-polar, with glycine, which is neutral and non-polar, at codon 115 of the SLC25A1 protein (p.Ala115Gly). This variant is not present in population databases (gnomAD no frequency). This variant has not been reported in the literature in individuals affected with SLC25A1-related conditions. ClinVar contains an entry for this variant (Variation ID: 1993164). Advanced modeling of protein sequence and biophysical properties (such as structural, functional, and spatial information, amino acid conservation, physicochemical variation, residue mobility, and thermodynamic stability) performed at Invitae indicates that this missense variant is not expected to disrupt SLC25A1 protein function with a negative predictive value of 80%. In summary, the available evidence is currently insufficient to determine the role of this variant in disease. Therefore, it has been classified as a Variant of Uncertain Significance.

NM_005984.5(SLC25A1):c.344C>G (p.Ala115Gly)

Gene: SLC25A1 (solute carrier family 25 member 1; minus strand). Cytogenetic location: 22q11.21.
Variant type: single nucleotide variant.
Coding change: c.344C>G on transcript NM_005984.5 (MANE Select); coding-DNA position 344, C replaced by G.
Protein change: p.Ala115Gly; replaces alanine 115 with glycine.
Molecular consequence: missense variant.
Genome position (GRCh38, 1-based): chr22:19,177,824, G>C on the plus strand (C>G on the coding strand, the complement: SLC25A1 is on the minus strand). VCF-style: chr22-19177824-G-C. GRCh37 (hg19) VCF-style: chr22-19165337-G-C.
Other names: c.365C>G, p.Ala122Gly (NM_001256534.2); c.35C>G, p.Ala12Gly (NM_001287387.2); short protein forms A115G, A122G, A12G.
Identifiers: ClinVar variation 1993164 (VCV001993164.3), dbSNP rs868965527, ClinGen allele CA410639506.